The following is an entry in ClinVar:

NM_004999.4(MYO6):c.1055T>G (p.Phe352Cys)

Gene: MYO6 (myosin VI; plus strand). Cytogenetic location: 6q14.1.
Variant type: single nucleotide variant.
Coding change: c.1055T>G on transcript NM_004999.4 (MANE Select); coding-DNA position 1055, T replaced by G.
Protein change: p.Phe352Cys; replaces phenylalanine 352 with cysteine.
Molecular consequence: missense variant. On other transcripts: non-coding transcript variant (1).
Genome position (GRCh38, 1-based): chr6:75,848,508, T>G. VCF-style: chr6-75848508-T-G. GRCh37 (hg19) VCF-style: chr6-76558225-T-G.
Other names: c.1055T>G, p.Phe352Cys (NM_001368866.1, NM_001300899.2, NM_001368136.1 and 2 more transcripts); c.1040T>G, p.Phe347Cys (NM_001368138.1); short protein forms F347C, F352C.
Identifiers: ClinVar variation 4688000 (VCV004688000.1).

ClinVar aggregate classification (germline): Uncertain significance (1 of 4 stars; one submission).

Conditions:
Autosomal recessive nonsyndromic hearing loss 37. Identifiers: Orphanet 90636, MedGen C1843028, MONDO:0011912, OMIM 607821.

Submission:

Human Genetics Bochum, Ruhr University Bochum
Classification: Uncertain significance for Autosomal recessive nonsyndromic hearing loss 37. Last evaluated: 2024-06-28. Review status: criteria provided, single submitter. Criteria: ACMG Guidelines, 2015. Collection method: clinical testing. Allele origin: germline. Affected: yes.
Comment: in the homozygous state; ACMG criteria used to clasify this variant: PP3_STR, PM2_SUP